The following is an entry in ClinVar:

ClinVar aggregate classification (germline): Likely benign (1 of 4 stars; one submission).

gnomAD v4.1: 262 of 1,614,130 alleles (0.016%); highest among the groups gnomAD compares: African/African-American, 0.17%; no homozygotes.

Submission:

CeGaT Center for Human Genetics Tuebingen
Classification: Likely benign. Last evaluated: 2026-04-01. Review status: criteria provided, single submitter. Criteria: CeGaT Center For Human Genetics Tuebingen Variant Classification Criteria Version 2. Collection method: clinical testing. Allele origin: germline. Affected: yes. Observed: 1 variant allele.
Comment: KDM5A: BP4, BP7

NM_001042603.3(KDM5A):c.3807A>G (p.Leu1269=)

Genes: KDM5A (lysine demethylase 5A; minus strand), LOC126861410 (BRD4-independent group 4 enhancer GRCh37_chr12:415875-417074; plus strand). Cytogenetic location: 12p13.33.
Variant type: single nucleotide variant.
Coding change: c.3807A>G on transcript NM_001042603.3 (MANE Select); coding-DNA position 3807, A replaced by G.
Protein change: p.Leu1269=; no amino-acid change (leucine 1269 retained).
Molecular consequence: synonymous variant.
Genome position (GRCh38, 1-based): chr12:307,577, T>C on the plus strand (A>G on the coding strand, the complement: KDM5A is on the minus strand). VCF-style: chr12-307577-T-C. GRCh37 (hg19) VCF-style: chr12-416743-T-C.
Identifiers: ClinVar variation 4872184 (VCV004872184.2).